The following is an entry in ClinVar:

ClinVar aggregate classification (germline): Uncertain significance (0 of 4 stars; one submission).

Conditions:
DCDC2-related disorder. Also called: DCDC2-related condition.

gnomAD v4.1: 1 of 1,614,154 alleles (0.000062%); highest among the groups gnomAD compares: Non-Finnish European, 0.000085%; no homozygotes.

Submission:

PreventionGenetics, part of Exact Sciences
Classification: Uncertain significance for DCDC2-related condition. Last evaluated: 2024-06-18. Review status: no assertion criteria provided. Collection method: clinical testing. Allele origin: germline.
Comment: The DCDC2 c.1103G>A variant is predicted to result in the amino acid substitution p.Gly368Glu. To our knowledge, this variant has not been reported in the literature or in a large population database, indicating this variant is rare. At this time, the clinical significance of this variant is uncertain due to the absence of conclusive functional and genetic evidence.

NM_016356.5(DCDC2):c.1103G>A (p.Gly368Glu)

Gene: DCDC2 (doublecortin domain containing 2; minus strand). Cytogenetic location: 6p22.3.
Variant type: single nucleotide variant.
Coding change: c.1103G>A on transcript NM_016356.5 (MANE Select); coding-DNA position 1103, G replaced by A.
Protein change: p.Gly368Glu; replaces glycine 368 with glutamic acid.
Molecular consequence: missense variant.
Genome position (GRCh38, 1-based): chr6:24,178,553, C>T on the plus strand (G>A on the coding strand, the complement: DCDC2 is on the minus strand). VCF-style: chr6-24178553-C-T. GRCh37 (hg19) VCF-style: chr6-24178781-C-T.
Other names: c.1103G>A, p.Gly368Glu (NM_001195610.2); short protein forms G368E.
Identifiers: ClinVar variation 3351418 (VCV003351418.1).
Genomic context (GRCh38, chr6:24,178,553, plus strand): 5'-ACTTGCTCAGGGGCATCTGTAGCCTCCCTACCTCCTTCCTCTTCAAGGTCACCATTCATT[C>T]CTGAAAAGTCTTCTTTCTGTTCTGCATCCTTGTTTGCCTTCTCTCCATCTTCTTCCTCGT-3'
Protein context (NP_057440.2, residues 358-378): KDAEQKEDFS[Gly368Glu]MNGDLEEEGG